The following is an entry in ClinVar:

NM_004333.6(BRAF):c.2272G>C (p.Gly758Arg)

Gene: BRAF (B-Raf proto-oncogene, serine/threonine kinase; minus strand). Cytogenetic location: 7q34.
Variant type: single nucleotide variant.
Coding change: c.2272G>C on transcript NM_004333.6 (MANE Select); coding-DNA position 2272, G replaced by C.
Protein change: p.Gly758Arg; replaces glycine 758 with arginine.
Molecular consequence: missense variant. On other transcripts: intron variant (2).
Genome position (GRCh38, 1-based): chr7:140,734,626, C>G on the plus strand (G>C on the coding strand, the complement: BRAF is on the minus strand). VCF-style: chr7-140734626-C-G. GRCh37 (hg19) VCF-style: chr7-140434426-C-G.
Other names: c.2272G>C, p.Gly758Arg (NM_001354609.2); c.2392G>C, p.Gly798Arg (NM_001374244.1, NM_001374258.1); c.2281G>C, p.Gly761Arg (NM_001378467.1); c.2206G>C, p.Gly736Arg (NM_001378469.1); c.2170G>C, p.Gly724Arg (NM_001378470.1); c.2161G>C, p.Gly721Arg (NM_001378471.1); c.2116G>C, p.Gly706Arg (NM_001378472.1, NM_001378473.1); c.2008G>C, p.Gly670Arg (NM_001378475.1); and 1 more; short protein forms G670R, G706R, G721R, G724R, G736R, G758R, G761R, G798R.
Identifiers: ClinVar variation 3616707 (VCV003616707.2).

ClinVar aggregate classification (germline): Uncertain significance (1 of 4 stars; one submission).

Conditions:
RASopathy. Also called: Noonan spectrum disorder; rasopathies. Identifiers: Orphanet 536391, MedGen C5555857, MONDO:0021060.

gnomAD v4.1: 2 of 1,613,750 alleles (0.00012%); highest among the groups gnomAD compares: Non-Finnish European, 0.00017%; no homozygotes.

Submission:

Labcorp Genetics (formerly Invitae), Labcorp
Classification: Uncertain significance for RASopathy. Last evaluated: 2025-05-21. Review status: criteria provided, single submitter. Criteria: Invitae Variant Classification Sherloc (09022015). Collection method: clinical testing. Allele origin: germline.
Comment: This sequence change replaces glycine, which is neutral and non-polar, with arginine, which is basic and polar, at codon 758 of the BRAF protein (p.Gly758Arg). This variant is not present in population databases (gnomAD no frequency). This variant has not been reported in the literature in individuals affected with BRAF-related conditions. ClinVar contains an entry for this variant (Variation ID: 3616707). Invitae Evidence Modeling of protein sequence and biophysical properties (such as structural, functional, and spatial information, amino acid conservation, physicochemical variation, residue mobility, and thermodynamic stability) indicates that this missense variant is expected to disrupt BRAF protein function with a positive predictive value of 95%. Algorithms developed to predict the effect of sequence changes on RNA splicing suggest that this variant may create or strengthen a splice site. In summary, the available evidence is currently insufficient to determine the role of this variant in disease. Therefore, it has been classified as a Variant of Uncertain Significance.